The following is an entry in ClinVar:

NM_025074.7(FRAS1):c.108G>A (p.Ala36=)

Gene: FRAS1 (Fraser extracellular matrix complex subunit 1; plus strand). Cytogenetic location: 4q21.21.
Variant type: single nucleotide variant.
Coding change: c.108G>A on transcript NM_025074.7 (MANE Select); coding-DNA position 108, G replaced by A.
Protein change: p.Ala36=; no amino-acid change (alanine 36 retained).
Molecular consequence: synonymous variant.
Genome position (GRCh38, 1-based): chr4:78,066,016, G>A. VCF-style: chr4-78066016-G-A. GRCh37 (hg19) VCF-style: chr4-78987170-G-A.
Other names: c.108G>A, p.Ala36= (NM_001166133.2).
Identifiers: ClinVar variation 1928903 (VCV001928903.3), dbSNP rs758479235, ClinGen allele CA2975821.

ClinVar aggregate classification (germline): Uncertain significance (1 of 4 stars; one submission).

Allele frequency attached by ClinVar (database versions not stated): gnomAD 0.00001; ExAC 0.00005.
gnomAD v4.1: 23 of 1,602,660 alleles (0.0014%); highest among the groups gnomAD compares: Admixed American, 0.0067%; no homozygotes.

Submission:

Labcorp Genetics (formerly Invitae), Labcorp
Classification: Uncertain significance. Last evaluated: 2025-01-13. Review status: criteria provided, single submitter. Criteria: Invitae Variant Classification Sherloc (09022015). Collection method: clinical testing. Allele origin: germline.
Comment: This sequence change affects codon 36 of the FRAS1 mRNA. It is a 'silent' change, meaning that it does not change the encoded amino acid sequence of the FRAS1 protein. This variant also falls at the last nucleotide of exon 2, which is part of the consensus splice site for this exon. This variant is present in population databases (rs758479235, gnomAD 0.01%). This variant has not been reported in the literature in individuals affected with FRAS1-related conditions. ClinVar contains an entry for this variant (Variation ID: 1928903). Variants that disrupt the consensus splice site are a relatively common cause of aberrant splicing (PMID: 17576681, 9536098). Algorithms developed to predict the effect of sequence changes on RNA splicing suggest that this variant may disrupt the consensus splice site. In summary, the available evidence is currently insufficient to determine the role of this variant in disease. Therefore, it has been classified as a Variant of Uncertain Significance.

Literature cited by the submitters: PubMed 17576681; PubMed 9536098.